The following is an entry in ClinVar:

ClinVar aggregate classification (germline): Likely benign (1 of 4 stars; one submission).

Submission:

CeGaT Center for Human Genetics Tuebingen
Classification: Likely benign. Last evaluated: 2023-02-01. Review status: criteria provided, single submitter. Criteria: CeGaT Center For Human Genetics Tuebingen Variant Classification Criteria Version 2. Collection method: clinical testing. Allele origin: germline. Affected: yes. Observed: 1 variant allele.
Comment: NKX3-2: PM2:Supporting, BP4, BP7

NM_001189.4(NKX3-2):c.435G>C (p.Arg145=)

Gene: NKX3-2 (NK3 homeobox 2; minus strand). Cytogenetic location: 4p15.33.
Variant type: single nucleotide variant.
Coding change: c.435G>C on transcript NM_001189.4 (MANE Select); coding-DNA position 435, G replaced by C.
Protein change: p.Arg145=; no amino-acid change (arginine 145 retained).
Molecular consequence: synonymous variant.
Genome position (GRCh38, 1-based): chr4:13,543,980, C>G on the plus strand (G>C on the coding strand, the complement: NKX3-2 is on the minus strand). VCF-style: chr4-13543980-C-G. GRCh37 (hg19) VCF-style: chr4-13545604-C-G.
Identifiers: ClinVar variation 2654673 (VCV002654673.24), dbSNP rs1387706690, ClinGen allele CA438538869.
Genomic context (GRCh38, chr4:13,543,980, plus strand): 5'-GCCCCCATCCCCGCGAAGCCGCAGCAGACCTGAGACGCTGGCGGACATCTCGCTGTCGCT[C>G]CGGCCCGCGGCTTCCTCCTCTAGGTCTTTGGAAGCGGCCAGCTCACAGACCGGCTGGCCG-3'
Protein context (NP_001180.1, residues 135-155): SKDLEEEAAG[Arg145=]SDSEMSASVS